The following is an entry in ClinVar:

NM_004369.4(COL6A3):c.4313T>C (p.Val1438Ala)

Gene: COL6A3 (collagen type VI alpha 3 chain; minus strand). Cytogenetic location: 2q37.3.
Variant type: single nucleotide variant.
Coding change: c.4313T>C on transcript NM_004369.4 (MANE Select); coding-DNA position 4313, T replaced by C.
Protein change: p.Val1438Ala; replaces valine 1438 with alanine.
Molecular consequence: missense variant.
Genome position (GRCh38, 1-based): chr2:237,369,150, A>G on the plus strand (T>C on the coding strand, the complement: COL6A3 is on the minus strand). VCF-style: chr2-237369150-A-G. GRCh37 (hg19) VCF-style: chr2-238277793-A-G.
Other names: c.2492T>C, p.Val831Ala (NM_057166.5); c.3695T>C, p.Val1232Ala (NM_057167.4); short protein forms V1232A, V1438A, V831A.
Identifiers: ClinVar variation 2190122 (VCV002190122.4), dbSNP rs2469889759, ClinGen allele CA351193778.

ClinVar aggregate classification (germline): Uncertain significance (1 of 4 stars; one submission).

Conditions:
Bethlem myopathy 1A. Also called: Bethlem Muscular Dystrophy; MYOPATHY, BENIGN CONGENITAL, WITH CONTRACTURES; Bethlem myopathy 1. Identifiers: Orphanet 610, MedGen CN029274, MONDO:0024530, OMIM 158810.

Allele frequency attached by ClinVar (database versions not stated): gnomAD exomes below 0.00001.
gnomAD v4.1: 1 of 1,613,188 alleles (0.000062%); highest among the groups gnomAD compares: Admixed American, 0.0017%; no homozygotes.

Submission:

Labcorp Genetics (formerly Invitae), Labcorp
Classification: Uncertain significance for Bethlem myopathy 1A. Last evaluated: 2024-10-07. Review status: criteria provided, single submitter. Criteria: Invitae Variant Classification Sherloc (09022015). Collection method: clinical testing. Allele origin: germline.
Comment: This sequence change replaces valine, which is neutral and non-polar, with alanine, which is neutral and non-polar, at codon 1438 of the COL6A3 protein (p.Val1438Ala). This variant is not present in population databases (gnomAD no frequency). This variant has not been reported in the literature in individuals affected with COL6A3-related conditions. ClinVar contains an entry for this variant (Variation ID: 2190122). Invitae Evidence Modeling of protein sequence and biophysical properties (such as structural, functional, and spatial information, amino acid conservation, physicochemical variation, residue mobility, and thermodynamic stability) indicates that this missense variant is expected to disrupt COL6A3 protein function with a positive predictive value of 80%. In summary, the available evidence is currently insufficient to determine the role of this variant in disease. Therefore, it has been classified as a Variant of Uncertain Significance.